The following is an entry in ClinVar:

NM_005465.7(AKT3):c.863C>T (p.Thr288Ile)

Gene: AKT3 (AKT serine/threonine kinase 3; minus strand). Cytogenetic location: 1q44.
Variant type: single nucleotide variant.
Coding change: c.863C>T on transcript NM_005465.7 (MANE Select); coding-DNA position 863, C replaced by T.
Protein change: p.Thr288Ile; replaces threonine 288 with isoleucine.
Molecular consequence: missense variant.
Genome position (GRCh38, 1-based): chr1:243,563,805, G>A on the plus strand (C>T on the coding strand, the complement: AKT3 is on the minus strand). VCF-style: chr1-243563805-G-A. GRCh37 (hg19) VCF-style: chr1-243727107-G-A.
Other names: c.863C>T, p.Thr288Ile (NM_001206729.2, NM_001370074.1, NM_181690.2); short protein forms T288I.
Identifiers: ClinVar variation 4762308 (VCV004762308.1).

ClinVar aggregate classification (germline): Uncertain significance (1 of 4 stars; one submission).

Conditions:
Megalencephaly-polymicrogyria-polydactyly-hydrocephalus syndrome 2 (MPPH2). Also called: MEGALENCEPHALY-POLYMICROGYRIA-POLYDACTYLY-HYDROCEPHALUS SYNDROME 2, SOMATIC. Identifiers: Orphanet 83473, MedGen C4014738, MONDO:0014407, OMIM 615937.

Submission:

Labcorp Genetics (formerly Invitae), Labcorp
Classification: Uncertain significance for Megalencephaly-polymicrogyria-polydactyly-hydrocephalus syndrome 2. Last evaluated: 2025-12-26. Review status: criteria provided, single submitter. Criteria: Invitae Variant Classification Sherloc (09022015). Collection method: clinical testing. Allele origin: germline.
Comment: This sequence change replaces threonine, which is neutral and polar, with isoleucine, which is neutral and non-polar, at codon 288 of the AKT3 protein (p.Thr288Ile). This variant is not present in population databases (gnomAD no frequency). This variant has not been reported in the literature in individuals affected with AKT3-related conditions. Invitae Evidence Modeling of protein sequence and biophysical properties (such as structural, functional, and spatial information, amino acid conservation, physicochemical variation, residue mobility, and thermodynamic stability) indicates that this missense variant is expected to disrupt AKT3 protein function with a positive predictive value of 95%. In summary, the available evidence is currently insufficient to determine the role of this variant in disease. Therefore, it has been classified as a Variant of Uncertain Significance.